The following is an entry in ClinVar:

ClinVar aggregate classification (germline): Uncertain significance. Review status: criteria provided, multiple submitters, no conflicts (2 of 4 stars). 4 submissions from 4 submitters: Uncertain significance (4). Last evaluated 2026-03-18.

Allele frequency attached by ClinVar (database versions not stated): gnomAD 0.00001; TOPMed 0.00001; ExAC 0.00002; gnomAD exomes 0.00002; ESP Exome Variant Server 0.00008.
gnomAD v4.1: 41 of 1,582,836 alleles (0.0026%); highest among the groups gnomAD compares: Non-Finnish European, 0.0034%; no homozygotes.

Submissions (4):

GeneDx
Classification: Uncertain significance. Last evaluated: 2026-03-18. Review status: criteria provided, single submitter. Criteria: GeneDx Variant Classification Process June 2021. Collection method: clinical testing. Allele origin: germline. Affected: yes.
Comment: Not observed at significant frequency in large population cohorts (gnomAD); Located in a region that tolerates variation and lacks pathogenic variants; Alters the Kozak sequence, which plays a major role in the initiation of translation; Has not been previously published as pathogenic or benign to our knowledge; This variant is associated with the following publications: (PMID: 30564623)

Blueprint Genetics
Classification: Uncertain significance. Last evaluated: 2024-09-12. Review status: criteria provided, single submitter. Criteria: ACMG Guidelines, 2015. Collection method: clinical testing. Allele origin: germline.

Revvity Omics, Revvity
Classification: Uncertain significance. Last evaluated: 2021-06-18. Review status: criteria provided, single submitter. Criteria: ACMG Guidelines, 2015. Collection method: clinical testing. Allele origin: germline.

Eurofins Ntd Llc (ga)
Classification: Uncertain significance. Last evaluated: 2016-12-30. Review status: criteria provided, single submitter. Criteria: EGL Classification Definitions 2015. Collection method: clinical testing. Allele origin: germline. Observed: 2 variant alleles, 2 heterozygotes.

NM_001848.3(COL6A1):c.-1C>T

Gene: COL6A1 (collagen type VI alpha 1 chain; plus strand). Cytogenetic location: 21q22.3.
Variant type: single nucleotide variant.
Coding change: c.-1C>T on transcript NM_001848.3 (MANE Select); 1 bases upstream of the start codon, C replaced by T.
Molecular consequence: 5 prime UTR variant.
Genome position (GRCh38, 1-based): chr21:45,981,850, C>T. VCF-style: chr21-45981850-C-T. GRCh37 (hg19) VCF-style: chr21-47401764-C-T.
Identifiers: ClinVar variation 499198 (VCV000499198.12), dbSNP rs377142360, ClinGen allele CA10069421.
Genomic context (GRCh38, chr21:45,981,850, plus strand): 5'-GGGCGGCGGCGGCGGCCCACTCTGCCCTGGCCGCGCTGTGTGGTGACCGCAGGCCCCAGA[C>T]ATGAGGGCGGCCCGTGCTCTGCTGCCCCTGCTGCTGCAGGCCTGCTGGACAGCCGCGCAG-3'